The following is an entry in ClinVar:

NM_032608.7(MYO18B):c.2738C>T (p.Ser913Leu)

Gene: MYO18B (myosin XVIIIB; plus strand). Cytogenetic location: 22q12.1.
Variant type: single nucleotide variant.
Coding change: c.2738C>T on transcript NM_032608.7 (MANE Select); coding-DNA position 2738, C replaced by T.
Protein change: p.Ser913Leu; replaces serine 913 with leucine.
Molecular consequence: missense variant.
Genome position (GRCh38, 1-based): chr22:25,826,451, C>T. VCF-style: chr22-25826451-C-T. GRCh37 (hg19) VCF-style: chr22-26222418-C-T.
Other names: c.2738C>T, p.Ser913Leu (NM_001318245.2); c.2738C>T (NM_032608.6); short protein forms S913L.
Identifiers: ClinVar variation 2040777 (VCV002040777.6), dbSNP rs780969505, ClinGen allele CA10160298.

ClinVar aggregate classification (germline): Uncertain significance. Review status: criteria provided, multiple submitters, no conflicts (2 of 4 stars). 3 submissions from 3 submitters: Uncertain significance (3). Last evaluated 2026-02-24.

Conditions:
MYO18B-related disorder. Also called: MYO18B-related condition.
Inborn genetic diseases. Identifiers: MedGen C0950123, MeSH D030342.

Allele frequency attached by ClinVar (database versions not stated): gnomAD 0.00003; gnomAD exomes 0.00003; TOPMed 0.00006; ExAC 0.00007.
gnomAD v4.1: 52 of 1,613,660 alleles (0.0032%); highest among the groups gnomAD compares: South Asian, 0.0055%; no homozygotes.

Submissions (3):

PreventionGenetics, part of Exact Sciences
Classification: Uncertain significance for MYO18B-related condition. Last evaluated: 2026-02-24. Review status: criteria provided, single submitter. Criteria: ACMG Guidelines, 2015. Collection method: clinical testing. Allele origin: germline.
Comment: The MYO18B c.2738C>T variant is predicted to result in the amino acid substitution p.Ser913Leu. To our knowledge, this variant has not been reported in the literature. This variant is reported in 0.0083% of alleles in individuals of African descent in gnomAD. At this time, the clinical significance of this variant is uncertain due to the absence of conclusive functional and genetic evidence.

Ambry Genetics
Classification: Uncertain significance for Inborn genetic diseases. Last evaluated: 2025-03-22. Review status: criteria provided, single submitter. Criteria: Ambry Variant Classification Scheme 2023. Collection method: clinical testing. Allele origin: germline.

Labcorp Genetics (formerly Invitae), Labcorp
Classification: Uncertain significance. Last evaluated: 2024-10-26. Review status: criteria provided, single submitter. Criteria: Invitae Variant Classification Sherloc (09022015). Collection method: clinical testing. Allele origin: germline.
Comment: This sequence change replaces serine, which is neutral and polar, with leucine, which is neutral and non-polar, at codon 913 of the MYO18B protein (p.Ser913Leu). This variant is present in population databases (rs780969505, gnomAD 0.008%). This variant has not been reported in the literature in individuals affected with MYO18B-related conditions. ClinVar contains an entry for this variant (Variation ID: 2040777). An algorithm developed to predict the effect of missense changes on protein structure and function (PolyPhen-2) suggests that this variant is likely to be disruptive. In summary, the available evidence is currently insufficient to determine the role of this variant in disease. Therefore, it has been classified as a Variant of Uncertain Significance.